The following is an entry in ClinVar:

NM_014112.5(TRPS1):c.1898C>A (p.Ser633Ter)

Gene: TRPS1 (transcriptional repressor GATA binding 1; minus strand). Cytogenetic location: 8q23.3.
Variant type: single nucleotide variant.
Coding change: c.1898C>A on transcript NM_014112.5 (MANE Select); coding-DNA position 1898, C replaced by A.
Protein change: p.Ser633Ter; replaces serine 633 with a stop codon.
Molecular consequence: nonsense.
Genome position (GRCh38, 1-based): chr8:115,604,071, G>T on the plus strand (C>A on the coding strand, the complement: TRPS1 is on the minus strand). VCF-style: chr8-115604071-G-T. GRCh37 (hg19) VCF-style: chr8-116616298-G-T.
Other names: c.1871C>A, p.Ser624Ter (NM_001282902.3); c.1877C>A, p.Ser626Ter (NM_001282903.3); c.1859C>A, p.Ser620Ter (NM_001330599.2); short protein forms S624*, S620*, S626*, S633*.
Identifiers: ClinVar variation 2944358 (VCV002944358.3), dbSNP rs2536888816, ClinGen allele CA372066378.

ClinVar aggregate classification (germline): Pathogenic (1 of 4 stars; one submission).

Conditions:
Trichorhinophalangeal dysplasia type I (TRPS1). Also called: TRICHORHINOPHALANGEAL SYNDROME, TYPE I; TRPS I. Identifiers: Orphanet 77258, MedGen C0432233, MONDO:0008596, OMIM 190350.
Trichorhinophalangeal syndrome, type III (TRPS3). Also called: SUGIO-KAJII SYNDROME. Identifiers: Orphanet 77258, MedGen C1860823, OMIM 190351, MONDO:0008597.

Submission:

Labcorp Genetics (formerly Invitae), Labcorp
Classification: Pathogenic for Trichorhinophalangeal syndrome, type III; Trichorhinophalangeal dysplasia type I. Last evaluated: 2023-02-16. Review status: criteria provided, single submitter. Criteria: Invitae Variant Classification Sherloc (09022015). Collection method: clinical testing. Allele origin: germline.
Comment: This sequence change creates a premature translational stop signal (p.Ser633*) in the TRPS1 gene. It is expected to result in an absent or disrupted protein product. Loss-of-function variants in TRPS1 are known to be pathogenic (PMID: 11112658). This variant is not present in population databases (gnomAD no frequency). This variant has not been reported in the literature in individuals affected with TRPS1-related conditions. For these reasons, this variant has been classified as Pathogenic.

Literature cited by the submitters: PubMed 11112658.